The following is an entry in ClinVar:

NM_001291303.3(FAT4):c.10484G>T (p.Ser3495Ile)

Gene: FAT4 (FAT atypical cadherin 4; plus strand). Cytogenetic location: 4q28.1.
Variant type: single nucleotide variant.
Coding change: c.10484G>T on transcript NM_001291303.3 (MANE Select); coding-DNA position 10484, G replaced by T.
Protein change: p.Ser3495Ile; replaces serine 3495 with isoleucine.
Molecular consequence: missense variant.
Genome position (GRCh38, 1-based): chr4:125,451,494, G>T. VCF-style: chr4-125451494-G-T. GRCh37 (hg19) VCF-style: chr4-126372649-G-T.
Other names: c.10484G>T, p.Ser3495Ile (NM_001291285.3); c.10478G>T, p.Ser3493Ile (NM_024582.6); short protein forms S3493I, S3495I.
Identifiers: ClinVar variation 2745962 (VCV002745962.3), dbSNP rs2530910978, ClinGen allele CA358158792.
Genomic context (GRCh38, chr4:125,451,494, plus strand): 5'-TTCCCATCTATAATCTCTCAGTTTTGGCTGTTGATTCAGGGACCCCCTCAGCTACAGGTA[G>T]TGCCTCTTTATTAGTCACCCTGGAAGATATAAATGATAACGGGCCCATGCTGACTGTCAG-3'
Protein context (NP_001278232.1, residues 3485-3505): VDSGTPSATG[Ser3495Ile]ASLLVTLEDI

ClinVar aggregate classification (germline): Uncertain significance (1 of 4 stars; one submission).

Submission:

Labcorp Genetics (formerly Invitae), Labcorp
Classification: Uncertain significance. Last evaluated: 2023-11-13. Review status: criteria provided, single submitter. Criteria: Invitae Variant Classification Sherloc (09022015). Collection method: clinical testing. Allele origin: germline.
Comment: This sequence change replaces serine, which is neutral and polar, with isoleucine, which is neutral and non-polar, at codon 3493 of the FAT4 protein (p.Ser3493Ile). This variant is not present in population databases (gnomAD no frequency). This variant has not been reported in the literature in individuals affected with FAT4-related conditions. Advanced modeling of protein sequence and biophysical properties (such as structural, functional, and spatial information, amino acid conservation, physicochemical variation, residue mobility, and thermodynamic stability) performed at Invitae indicates that this missense variant is not expected to disrupt FAT4 protein function with a negative predictive value of 95%. In summary, the available evidence is currently insufficient to determine the role of this variant in disease. Therefore, it has been classified as a Variant of Uncertain Significance.